The following is an entry in ClinVar:

NM_000051.4(ATM):c.4323A>G (p.Ile1441Met)

Gene: ATM (ATM serine/threonine kinase; plus strand). Cytogenetic location: 11q22.3.
Variant type: single nucleotide variant.
Coding change: c.4323A>G on transcript NM_000051.4 (MANE Select); coding-DNA position 4323, A replaced by G.
Protein change: p.Ile1441Met; replaces isoleucine 1441 with methionine.
Molecular consequence: missense variant.
Genome position (GRCh38, 1-based): chr11:108,289,688, A>G. VCF-style: chr11-108289688-A-G. GRCh37 (hg19) VCF-style: chr11-108160415-A-G.
Other names: p.I1441M:ATA>ATG; c.4323A>G, p.Ile1441Met (NM_001351834.2); short protein forms I1441M.
Identifiers: ClinVar variation 127384 (VCV000127384.16), dbSNP rs587779839, ClinGen allele CA286837.

ClinVar aggregate classification (germline): Uncertain significance. Review status: criteria provided, multiple submitters, no conflicts (2 of 4 stars). 4 submissions from 4 submitters: Uncertain significance (4). Last evaluated 2024-02-12.

Conditions:
Hereditary cancer-predisposing syndrome. Also called: Tumor predisposition; Hereditary Cancer Syndrome; Neoplastic Syndromes, Hereditary; Hereditary neoplastic syndrome. Identifiers: Orphanet 140162, MedGen C0027672, MeSH D009386, MONDO:0015356.
Ataxia-telangiectasia syndrome (AT). Also called: LOUIS-BAR SYNDROME; Cerebello-oculocutaneous telangiectasia; Immunodeficiency with ataxia telangiectasia; ATAXIA-TELANGIECTASIA, COMPLEMENTATION GROUP A; ATAXIA-TELANGIECTASIA, FRESNO VARIANT; Ataxia-telangiectasia. Identifiers: Orphanet 100, MedGen C0004135, MONDO:0008840, OMIM 208900.

gnomAD v4.1: 1 of 1,613,580 alleles (0.000062%); highest among the groups gnomAD compares: Non-Finnish European, 0.000085%; no homozygotes.

Submissions (4):

GeneDx
Classification: Uncertain significance. Last evaluated: 2024-02-12. Review status: criteria provided, single submitter. Criteria: GeneDx Variant Classification Process June 2021. Collection method: clinical testing. Allele origin: germline. Affected: yes.
Comment: Not observed at significant frequency in large population cohorts (gnomAD); In silico analysis supports that this missense variant does not alter protein structure/function; Has not been previously published as pathogenic or benign to our knowledge

Color Diagnostics, LLC DBA Color Health
Classification: Uncertain significance for Hereditary cancer-predisposing syndrome. Last evaluated: 2023-12-04. Review status: criteria provided, single submitter. Criteria: ACMG Guidelines, 2015. Collection method: clinical testing. Allele origin: germline.
Comment: This missense variant replaces isoleucine with methionine at codon 1441 of the ATM protein. Computational prediction suggests that this variant may not impact protein structure and function (internally defined REVEL score threshold <= 0.5, PMID: 27666373). To our knowledge, functional studies have not been reported for this variant. This variant has not been reported in individuals affected with ATM-related disorders in the literature. This variant has not been identified in the general population by the Genome Aggregation Database (gnomAD). The available evidence is insufficient to determine the role of this variant in disease conclusively. Therefore, this variant is classified as a Variant of Uncertain Significance.

Labcorp Genetics (formerly Invitae), Labcorp
Classification: Uncertain significance for Ataxia-telangiectasia syndrome. Last evaluated: 2023-09-29. Review status: criteria provided, single submitter. Criteria: Invitae Variant Classification Sherloc (09022015). Collection method: clinical testing. Allele origin: germline.
Comment: An algorithm developed to predict the effect of missense changes on protein structure and function (PolyPhen-2) suggests that this variant is likely to be tolerated. In summary, the available evidence is currently insufficient to determine the role of this variant in disease. Therefore, it has been classified as a Variant of Uncertain Significance. ClinVar contains an entry for this variant (Variation ID: 127384). This variant has not been reported in the literature in individuals affected with ATM-related conditions. This variant is not present in population databases (gnomAD no frequency). This sequence change replaces isoleucine, which is neutral and non-polar, with methionine, which is neutral and non-polar, at codon 1441 of the ATM protein (p.Ile1441Met).

Ambry Genetics
Classification: Uncertain significance for Hereditary cancer-predisposing syndrome. Last evaluated: 2023-01-30. Review status: criteria provided, single submitter. Criteria: Ambry Variant Classification Scheme 2023. Collection method: clinical testing. Allele origin: germline.
Comment: The p.I1441M variant (also known as c.4323A>G), located in coding exon 28 of the ATM gene, results from an A to G substitution at nucleotide position 4323. The isoleucine at codon 1441 is replaced by methionine, an amino acid with highly similar properties. This amino acid position is not well conserved in available vertebrate species. In addition, this alteration is predicted to be tolerated by in silico analysis. Since supporting evidence is limited at this time, the clinical significance of this alteration remains unclear.